The following is an entry in ClinVar:

ClinVar aggregate classification (germline): Uncertain significance (1 of 4 stars; one submission).

Conditions:
Multiple endocrine neoplasia, type 1 (MEN1). Also called: MEN I; WERMER SYNDROME; Endocrine adenomatosis multiple; MEN 1; MEA I. Identifiers: Orphanet 652, MedGen C0025267, MeSH D018761, MONDO:0007540, OMIM 131100.

Allele frequency attached by ClinVar (database versions not stated): gnomAD exomes below 0.00001.
gnomAD v4.1: 1 of 1,610,614 alleles (0.000062%); highest among the groups gnomAD compares: Non-Finnish European, 0.000085%; no homozygotes.

Submission:

Labcorp Genetics (formerly Invitae), Labcorp
Classification: Uncertain significance for Multiple endocrine neoplasia, type 1. Last evaluated: 2024-04-15. Review status: criteria provided, single submitter. Criteria: Invitae Variant Classification Sherloc (09022015). Collection method: clinical testing. Allele origin: germline.
Comment: This sequence change replaces threonine, which is neutral and polar, with alanine, which is neutral and non-polar, at codon 521 of the MEN1 protein (p.Thr521Ala). This variant is not present in population databases (gnomAD no frequency). This variant has not been reported in the literature in individuals affected with MEN1-related conditions. ClinVar contains an entry for this variant (Variation ID: 1498039). Advanced modeling of protein sequence and biophysical properties (such as structural, functional, and spatial information, amino acid conservation, physicochemical variation, residue mobility, and thermodynamic stability) performed at Invitae indicates that this missense variant is not expected to disrupt MEN1 protein function with a negative predictive value of 95%. In summary, the available evidence is currently insufficient to determine the role of this variant in disease. Therefore, it has been classified as a Variant of Uncertain Significance.

NM_001370259.2(MEN1):c.1561A>G (p.Thr521Ala)

Gene: MEN1 (menin 1; minus strand). Cytogenetic location: 11q13.1.
Variant type: single nucleotide variant.
Coding change: c.1561A>G on transcript NM_001370259.2 (MANE Select); coding-DNA position 1561, A replaced by G.
Protein change: p.Thr521Ala; replaces threonine 521 with alanine.
Molecular consequence: missense variant.
Genome position (GRCh38, 1-based): chr11:64,804,606, T>C on the plus strand (A>G on the coding strand, the complement: MEN1 is on the minus strand). VCF-style: chr11-64804606-T-C. GRCh37 (hg19) VCF-style: chr11-64572078-T-C.
Other names: c.1576A>G, p.Thr526Ala (NM_000244.4, NM_130800.3, NM_130801.3 and 3 more transcripts); c.1687A>G, p.Thr563Ala (NM_001370251.2); c.1561A>G, p.Thr521Ala (NM_001370260.2, NM_001370261.2, NM_130799.3); c.1456A>G, p.Thr486Ala (NM_001370262.2, NM_001370263.2); short protein forms T563A, T521A, T526A, T486A.
Identifiers: ClinVar variation 1498039 (VCV001498039.6), dbSNP rs1565636917, ClinGen allele CA381178480.